The following is an entry in ClinVar:

NC_000017.10:g.(?_41197695)_(41251917_?)del

Gene: BRCA1 (BRCA1 DNA repair associated; minus strand). Cytogenetic location: 17q21.31.
Variant type: Deletion.
Identifiers: ClinVar variation 2425741 (VCV002425741.6).

ClinVar aggregate classification (germline): Pathogenic (1 of 4 stars; one submission).

Conditions:
Hereditary breast ovarian cancer syndrome. Also called: Hereditary breast and ovarian cancer syndrome (HBOC); Breast and ovarian cancer; Hereditary breast and/or ovarian cancer syndrome; Hereditary breast and ovarian cancer; BRCA1- and BRCA2-Associated Hereditary Breast and Ovarian Cancer; Hereditary breast and ovarian cancer syndrome. Identifiers: Orphanet 145, MedGen C0677776, MeSH D061325, MONDO:0003582. Disease mechanism: loss of function.

Submission:

Labcorp Genetics (formerly Invitae), Labcorp
Classification: Pathogenic for Hereditary breast ovarian cancer syndrome. Last evaluated: 2022-05-25. Review status: criteria provided, single submitter. Criteria: Invitae Variant Classification Sherloc (09022015). Collection method: clinical testing. Allele origin: germline.
Comment: This variant is a gross deletion of the genomic region encompassing exon(s) 7-23 of the BRCA1 gene, which includes the termination codon. This deletion extends beyond the assayed region for this gene and therefore may encompass additional genes. While this deletion is not anticipated to lead to nonsense mediated decay, it is expected to alter mRNA translation or result in a truncated protein product. A similar copy number variant has been observed in individual(s) with breast cancer (PMID: 16551709). The region of the BRCA1 gene that includes exon(s) 7-23 (often referred to in the literature as exons 8-24) has been determined to be clinically significant (PMID: 16551709). Therefore, deletions that encompass that region are likely to be disease-causing. For these reasons, this variant has been classified as Pathogenic.

Literature cited by the submitters: PubMed 16551709.